The following is an entry in ClinVar:

NM_005360.5(MAF):c.376G>T (p.Gly126Cys)

Gene: MAF (MAF bZIP transcription factor; minus strand). Cytogenetic location: 16q23.2.
Variant type: single nucleotide variant.
Coding change: c.376G>T on transcript NM_005360.5 (MANE Select); coding-DNA position 376, G replaced by T.
Protein change: p.Gly126Cys; replaces glycine 126 with cysteine.
Molecular consequence: missense variant.
Genome position (GRCh38, 1-based): chr16:79,599,527, C>A on the plus strand (G>T on the coding strand, the complement: MAF is on the minus strand). VCF-style: chr16-79599527-C-A. GRCh37 (hg19) VCF-style: chr16-79633424-C-A.
Other names: c.376G>T, p.Gly126Cys (NM_001031804.3); short protein forms G126C.
Identifiers: ClinVar variation 3233979 (VCV003233979.2), dbSNP rs1438395710, ClinGen allele CA396536081.
Genomic context (GRCh38, chr16:79,599,527, plus strand): 5'-CACCGGCCCCGGCCGCCGCGGCCAGCTGCTGCGCCCCGCGCGCGTAGCCATCGAAGCCGC[C>A]CTGGAGCTGGTGGCTGTTGCTGATGAGCGCCTCGACCGCGTCCTCGGGGCTGAAGCCCAG-3'
Protein context (NP_005351.2, residues 116-136): ALISNSHQLQ[Gly126Cys]GFDGYARGAQ

ClinVar aggregate classification (germline): Uncertain significance (1 of 4 stars; one submission).

Allele frequency attached by ClinVar (database versions not stated): gnomAD 0.00001; TOPMed 0.00002.
gnomAD v4.1: 6 of 1,553,536 alleles (0.00039%); highest among the groups gnomAD compares: Admixed American, 0.012%; no homozygotes.

Submission:

Women's Health and Genetics/Laboratory Corporation of America, LabCorp
Classification: Uncertain significance. Last evaluated: 2024-03-13. Review status: criteria provided, single submitter. Criteria: LabCorp Variant Classification Summary - May 2015. Collection method: clinical testing. Allele origin: germline.
Comment: Variant summary: MAF c.376G>T (p.Gly126Cys) results in a non-conservative amino acid change in the encoded protein sequence. Four of five in-silico tools predict a damaging effect of the variant on protein function. The frequency data for this variant in gnomAD is considered unreliable, as metrics indicate poor data quality at this position. To our knowledge, no occurrence of c.376G>T in individuals affected with MAF-Related Disorders and no experimental evidence demonstrating its impact on protein function have been reported. No submitters have cited clinical-significance assessments for this variant to ClinVar. Based on the evidence outlined above, the variant was classified as uncertain significance.